The following is an entry in ClinVar:

NM_139215.3(TAF15):c.329A>G (p.Tyr110Cys)

Gene: TAF15 (TATA-box binding protein associated factor 15; plus strand). Cytogenetic location: 17q12.
Variant type: single nucleotide variant.
Coding change: c.329A>G on transcript NM_139215.3 (MANE Select); coding-DNA position 329, A replaced by G.
Protein change: p.Tyr110Cys; replaces tyrosine 110 with cysteine.
Molecular consequence: missense variant.
Genome position (GRCh38, 1-based): chr17:35,822,678, A>G. VCF-style: chr17-35822678-A-G. GRCh37 (hg19) VCF-style: chr17-34149682-A-G.
Other names: c.320A>G, p.Tyr107Cys (NM_003487.4); short protein forms Y107C, Y110C.
Identifiers: ClinVar variation 3036243 (VCV003036243.2), dbSNP rs200841311, ClinGen allele CA290023470.

ClinVar aggregate classification (germline): Uncertain significance (0 of 4 stars; one submission).

Conditions:
TAF15-related disorder. Also called: TAF15-related condition.

Allele frequency attached by ClinVar (database versions not stated): gnomAD 0.00001; gnomAD exomes 0.00003; TOPMed 0.00004; ExAC 0.00006.
gnomAD v4.1: 51 of 1,614,006 alleles (0.0032%); highest among the groups gnomAD compares: Admixed American, 0.022%; no homozygotes.

Submission:

PreventionGenetics, part of Exact Sciences
Classification: Uncertain significance for TAF15-related condition. Last evaluated: 2024-07-12. Review status: no assertion criteria provided. Collection method: clinical testing. Allele origin: germline.
Comment: The TAF15 c.329A>G variant is predicted to result in the amino acid substitution p.Tyr110Cys. This variant was reported in an individual with amyotrophic lateral sclerosis (Table e1 Grassano et al. 2022. PubMed ID: 35896380). This variant is reported in 0.032% of alleles in individuals of Latino descent in gnomAD. At this time, the clinical significance of this variant is uncertain due to the absence of conclusive functional and genetic evidence.